The following is an entry in ClinVar:

ClinVar aggregate classification (germline): Benign. Review status: criteria provided, multiple submitters, no conflicts (2 of 4 stars). 3 submissions from 3 submitters: Benign (2). 1 of the submissions does not count toward it. Last evaluated 2016-03-28.

Conditions:
FCGR2A-related disorder. Also called: FCGR2A-related condition.

Allele frequency attached by ClinVar (database versions not stated): gnomAD 0.08958 and 0.08981; ESP Exome Variant Server 0.09680; ExAC 0.10317; gnomAD exomes 0.10388 and 0.11426; 1000 Genomes Project 0.05611; 1000 Genomes Project 30x 0.05684; TOPMed 0.08880.
gnomAD v4.1: 180,590 of 1,614,092 alleles (11%); highest among the groups gnomAD compares: Middle Eastern, 18%; 11,453 homozygotes.

Submissions (3):

Laboratory for Molecular Medicine, Mass General Brigham Personalized Medicine
Classification: Benign. Last evaluated: 2016-03-28. Review status: criteria provided, single submitter. Criteria: LMM Criteria. Collection method: clinical testing. Allele origin: germline.
Comment: Variant identified in a genome or exome case(s) and assessed due to predicted null impact of the variant or pathogenic assertions in the literature or databases. Disclaimer: This variant has not undergone full assessment. The following are preliminary notes: Frequency

Breakthrough Genomics
Classification: Benign. Review status: criteria provided, single submitter. Criteria: ACMG Guidelines, 2015. Collection method: not provided. Allele origin: germline. Inheritance: Autosomal recessive inheritance. Affected: yes.

PreventionGenetics, part of Exact Sciences
Classification: Benign for FCGR2A-related condition. Last evaluated: 2020-01-10. Review status: no assertion criteria provided. Collection method: clinical testing. Allele origin: germline. Not counted in ClinVar's aggregate classification.
Comment: This variant is classified as benign based on ACMG/AMP sequence variant interpretation guidelines (Richards et al. 2015 PMID: 25741868, with internal and published modifications).

NM_001136219.3(FCGR2A):c.187C>T (p.Gln63Ter)

Gene: FCGR2A (Fc gamma receptor IIa; plus strand). Cytogenetic location: 1q23.3.
Variant type: single nucleotide variant.
Coding change: c.187C>T on transcript NM_001136219.3 (MANE Select); coding-DNA position 187, C replaced by T.
Protein change: p.Gln63Ter; replaces glutamine 63 with a stop codon.
Molecular consequence: nonsense.
Genome position (GRCh38, 1-based): chr1:161,506,414, C>T. VCF-style: chr1-161506414-C-T. GRCh37 (hg19) VCF-style: chr1-161476204-C-T.
Other names: c.187C>T, p.Gln63Ter (NM_001375296.1); c.184C>T, p.Gln62Ter (NM_001375297.1, NM_021642.5); c.184C>T (NM_021642.3); short protein forms Q62*, Q63*.
Identifiers: ClinVar variation 402852 (VCV000402852.7), dbSNP rs9427397, ClinGen allele CA1210558.